The following is an entry in ClinVar:

ClinVar aggregate classification (germline): Uncertain significance (1 of 4 stars; one submission).

Submission:

GeneDx
Classification: Uncertain significance. Last evaluated: 2026-04-07. Review status: criteria provided, single submitter. Criteria: GeneDx Variant Classification Process June 2021. Collection method: clinical testing. Allele origin: germline.
Comment: Not observed at significant frequency in large population cohorts (gnomAD); In silico analysis suggests that this missense variant does not alter protein structure/function; Has not been previously published as pathogenic or benign to our knowledge

NM_006035.4(CDC42BPB):c.1317G>C (p.Gln439His)

Gene: CDC42BPB (CDC42 binding protein kinase beta; minus strand). Cytogenetic location: 14q32.32.
Variant type: single nucleotide variant.
Coding change: c.1317G>C on transcript NM_006035.4 (MANE Select); coding-DNA position 1317, G replaced by C.
Protein change: p.Gln439His; replaces glutamine 439 with histidine.
Molecular consequence: missense variant.
Genome position (GRCh38, 1-based): chr14:102,975,953, C>G on the plus strand (G>C on the coding strand, the complement: CDC42BPB is on the minus strand). VCF-style: chr14-102975953-C-G. GRCh37 (hg19) VCF-style: chr14-103442290-C-G.
Other names: c.1317G>C, p.Gln439His (NM_001411054.1); short protein forms Q439H.
Identifiers: ClinVar variation 5018284 (VCV005018284.1).